The following is an entry in ClinVar:

ClinVar aggregate classification (germline): Likely pathogenic (1 of 4 stars; one submission).

Conditions:
Fanconi anemia (FA). Also called: Fanconi's anemia. Identifiers: Orphanet 84, MedGen C0015625, MeSH D005199, MONDO:0019391.

Submission:

Natera, Inc.
Classification: Likely pathogenic for Fanconi anemia. Last evaluated: 2025-08-21. Review status: criteria provided, single submitter. Criteria: Natera Variant Classification Schema (03/2026). Collection method: clinical testing. Allele origin: germline.
Comment: The c.1884dup variant in FANCA is a frameshift variant predicted to shift the reading frame and introduce a stop codon. This variant is expected to result in nonsense mediated decay, truncation, or a dysfunctional protein product. This variant is rare in the general population with a frequency below the threshold expected for the associated phenotype(s). Given the available evidence, this variant is classified as Likely Pathogenic.

NM_000135.4(FANCA):c.1884dup (p.Glu629Ter)

Gene: FANCA (FA complementation group A; minus strand). Cytogenetic location: 16q24.3.
Variant type: Duplication.
Coding change: c.1884dup on transcript NM_000135.4 (MANE Select); coding-DNA position 1884, one base duplicated (T; older notation c.1884dupT).
Protein change: p.Glu629Ter; replaces glutamic acid 629 with a stop codon.
Molecular consequence: nonsense.
Genome position (GRCh38, 1-based): chr16:89,775,758, A duplicated on the plus strand (T on the coding strand, the reverse complement: FANCA is on the minus strand). VCF-style (leftmost placement, unchanged base first): chr16-89775757-C-CA. GRCh37 (hg19) VCF-style: chr16-89842165-C-CA.
Other names: c.1884dup, p.Glu629Ter (NM_001286167.3); short protein forms E629*.
Identifiers: ClinVar variation 4817516 (VCV004817516.1).
Genomic context (GRCh38, chr16:89,775,757, plus strand): 5'-GGAAAAGCACAAGTCCCAGAGTGGACAAGCGGCCCAGGAACTTACCTTCTGGCTTCTCTT[C>CA]AGCAGCAGAGCAGGCCTGGCAGTAGGTGGAGTACAGAGATGGGGGGATTTTATCTGCTCT-3'